The following is an entry in ClinVar:

ClinVar aggregate classification (germline): Uncertain significance. Review status: criteria provided, multiple submitters, no conflicts (2 of 4 stars). 2 submissions from 2 submitters: Uncertain significance (2). Last evaluated 2025-01-26.

Conditions:
Inborn genetic diseases. Identifiers: MedGen C0950123, MeSH D030342.

Allele frequency attached by ClinVar (database versions not stated): ESP Exome Variant Server 0.00016; gnomAD exomes 0.00002 and below 0.00001; ExAC 0.00002; gnomAD 0.00005; TOPMed 0.00006.
gnomAD v4.1: 13 of 1,609,542 alleles (0.00081%); highest among the groups gnomAD compares: African/African-American, 0.012%; no homozygotes.

Submissions (2):

Ambry Genetics
Classification: Uncertain significance for Inborn genetic diseases. Last evaluated: 2025-01-26. Review status: criteria provided, single submitter. Criteria: Ambry Variant Classification Scheme 2023. Collection method: clinical testing. Allele origin: germline.

Labcorp Genetics (formerly Invitae), Labcorp
Classification: Uncertain significance. Last evaluated: 2024-12-16. Review status: criteria provided, single submitter. Criteria: Invitae Variant Classification Sherloc (09022015). Collection method: clinical testing. Allele origin: germline.
Comment: This sequence change replaces serine, which is neutral and polar, with glycine, which is neutral and non-polar, at codon 552 of the SEPT9 protein (p.Ser552Gly). This variant is present in population databases (rs375131588, gnomAD 0.03%). This variant has not been reported in the literature in individuals affected with SEPT9-related conditions. ClinVar contains an entry for this variant (Variation ID: 1682681). Invitae Evidence Modeling of protein sequence and biophysical properties (such as structural, functional, and spatial information, amino acid conservation, physicochemical variation, residue mobility, and thermodynamic stability) indicates that this missense variant is not expected to disrupt SEPT9 protein function with a negative predictive value of 80%. In summary, the available evidence is currently insufficient to determine the role of this variant in disease. Therefore, it has been classified as a Variant of Uncertain Significance.

NM_001113491.2(SEPTIN9):c.1708A>G (p.Ser570Gly)

Gene: SEPTIN9 (septin 9; plus strand). Cytogenetic location: 17q25.3.
Variant type: single nucleotide variant.
Coding change: c.1708A>G on transcript NM_001113491.2 (MANE Select); coding-DNA position 1708, A replaced by G.
Protein change: p.Ser570Gly; replaces serine 570 with glycine.
Molecular consequence: missense variant.
Genome position (GRCh38, 1-based): chr17:77,498,605, A>G. VCF-style: chr17-77498605-A-G. GRCh37 (hg19) VCF-style: chr17-75494687-A-G.
Other names: c.1216A>G, p.Ser406Gly (NM_001113492.2, NM_001113494.1); c.1687A>G, p.Ser563Gly (NM_001113493.2); c.955A>G, p.Ser319Gly (NM_001113495.2, NM_001113496.2, NM_001293697.2 and 1 more transcripts); c.1651A>G, p.Ser551Gly (NM_001293695.2); c.1036A>G, p.Ser346Gly (NM_001293696.2); c.1654A>G, p.Ser552Gly (NM_006640.5); c.1654A>G (NM_006640.4); short protein forms S319G, S346G, S406G, S551G, S552G, S563G, S570G.
Identifiers: ClinVar variation 1682681 (VCV001682681.6), dbSNP rs375131588, ClinGen allele CA8793915.
Genomic context (GRCh38, chr17:77,498,605, plus strand): 5'-GACATCACCAGCAGCATCCACTTCGAGGCGTACCGTGTGAAGCGCCTCAACGAGGGCAGC[A>G]GCGCCATGGCCAACGGCATGGAGGAGAAGGAGCCAGAAGCCCCGGAGATGTAGACGCCAC-3'
Protein context (NP_001106963.1, residues 560-580): YRVKRLNEGS[Ser570Gly]AMANGMEEKE